The following is an entry in ClinVar:

NM_024675.4(PALB2):c.1442T>G (p.Leu481Arg)

Gene: PALB2 (partner and localizer of BRCA2; minus strand). Cytogenetic location: 16p12.2.
Variant type: single nucleotide variant.
Coding change: c.1442T>G on transcript NM_024675.4 (MANE Select); coding-DNA position 1442, T replaced by G.
Protein change: p.Leu481Arg; replaces leucine 481 with arginine.
Molecular consequence: missense variant. On other transcripts: intron variant (3).
Genome position (GRCh38, 1-based): chr16:23,635,104, A>C on the plus strand (T>G on the coding strand, the complement: PALB2 is on the minus strand). VCF-style: chr16-23635104-A-C. GRCh37 (hg19) VCF-style: chr16-23646425-A-C.
Other names: c.1382T>G, p.Leu461Arg (NM_001407296.1); c.1442T>G, p.Leu481Arg (NM_001407297.1, NM_001407298.1, NM_001407299.1 and 3 more transcripts); c.557T>G, p.Leu186Arg (NM_001407304.1, NM_001407305.1, NM_001407306.1 and 5 more transcripts); c.49-5829T>G (NM_001407314.1); c.-104-4635T>G (NM_001407313.1, NM_001407312.1); short protein forms L186R, L461R, L481R.
Identifiers: ClinVar variation 3227990 (VCV003227990.2), dbSNP rs2142415827, ClinGen allele CA395131253.

ClinVar aggregate classification (germline): Uncertain significance. Review status: criteria provided, multiple submitters, no conflicts (2 of 4 stars). 2 submissions from 2 submitters: Uncertain significance (2). Last evaluated 2025-04-18.

Conditions:
Familial cancer of breast. Also called: BREAST CANCER, FAMILIAL; Hereditary breast cancer; hereditary breast carcinoma. Identifiers: Orphanet 227535, MedGen C0346153, MONDO:0016419, OMIM 114480. Disease mechanism: loss of function.
Hereditary cancer-predisposing syndrome. Also called: Neoplastic Syndromes, Hereditary; Tumor predisposition; Hereditary neoplastic syndrome; Hereditary Cancer Syndrome. Identifiers: Orphanet 140162, MedGen C0027672, MeSH D009386, MONDO:0015356.

Submissions (2):

Labcorp Genetics (formerly Invitae), Labcorp
Classification: Uncertain significance for Familial cancer of breast. Last evaluated: 2025-04-18. Review status: criteria provided, single submitter. Criteria: Invitae Variant Classification Sherloc (09022015). Collection method: clinical testing. Allele origin: germline.
Comment: This sequence change replaces leucine, which is neutral and non-polar, with arginine, which is basic and polar, at codon 481 of the PALB2 protein (p.Leu481Arg). This variant is not present in population databases (gnomAD no frequency). This variant has not been reported in the literature in individuals affected with PALB2-related conditions. ClinVar contains an entry for this variant (Variation ID: 3227990). Invitae Evidence Modeling of protein sequence and biophysical properties (such as structural, functional, and spatial information, amino acid conservation, physicochemical variation, residue mobility, and thermodynamic stability) indicates that this missense variant is not expected to disrupt PALB2 protein function with a negative predictive value of 80%. In summary, the available evidence is currently insufficient to determine the role of this variant in disease. Therefore, it has been classified as a Variant of Uncertain Significance.

Ambry Genetics
Classification: Uncertain significance for Hereditary cancer-predisposing syndrome. Last evaluated: 2023-10-26. Review status: criteria provided, single submitter. Criteria: Ambry Variant Classification Scheme 2023. Collection method: clinical testing. Allele origin: germline.
Comment: The p.L481R variant (also known as c.1442T>G), located in coding exon 4 of the PALB2 gene, results from a T to G substitution at nucleotide position 1442. The leucine at codon 481 is replaced by arginine, an amino acid with dissimilar properties. This amino acid position is conserved. In addition, this alteration is predicted to be tolerated by in silico analysis. Since supporting evidence is limited at this time, the clinical significance of this alteration remains unclear.